The following is an entry in ClinVar:

ClinVar aggregate classification (germline): Uncertain significance. Review status: criteria provided, multiple submitters, no conflicts (2 of 4 stars). 4 submissions from 4 submitters: Uncertain significance (3). 1 of the submissions does not count toward it. Last evaluated 2025-12-15.

Conditions:
Methylmalonic aciduria, cblB type (MACB). Also called: METHYLMALONIC ACIDURIA, VITAMIN B12-RESPONSIVE, DUE TO DEFECT IN SYNTHESIS OF ADENOSYLCOBALAMIN, cblB TYPE; Methylmalonic acidemia cblB type; Vitamin B12-responsive methylmalonic acidemia type cblB. Identifiers: Orphanet 28, Orphanet 79311, MedGen C1855102, MONDO:0009614, OMIM 251110.
Inborn genetic diseases. Identifiers: MedGen C0950123, MeSH D030342.

Allele frequency attached by ClinVar (database versions not stated): TOPMed 0.00003; gnomAD 0.00007.
gnomAD v4.1: 82 of 1,604,902 alleles (0.0051%); highest among the groups gnomAD compares: South Asian, 0.015%; no homozygotes.

Submissions (4):

Labcorp Genetics (formerly Invitae), Labcorp
Classification: Uncertain significance for Methylmalonic aciduria, cblB type. Last evaluated: 2025-12-15. Review status: criteria provided, single submitter. Criteria: Invitae Variant Classification Sherloc (09022015). Collection method: clinical testing. Allele origin: germline.
Comment: This sequence change replaces glycine, which is neutral and non-polar, with aspartic acid, which is acidic and polar, at codon 5 of the MMAB protein (p.Gly5Asp). This variant is present in population databases (rs769048646, gnomAD 0.01%). This variant has not been reported in the literature in individuals affected with MMAB-related conditions. ClinVar contains an entry for this variant (Variation ID: 989541). Invitae Evidence Modeling of protein sequence and biophysical properties (such as structural, functional, and spatial information, amino acid conservation, physicochemical variation, residue mobility, and thermodynamic stability) indicates that this missense variant is not expected to disrupt MMAB protein function with a negative predictive value of 95%. In summary, the available evidence is currently insufficient to determine the role of this variant in disease. Therefore, it has been classified as a Variant of Uncertain Significance.

Ambry Genetics
Classification: Uncertain significance for Inborn genetic diseases. Last evaluated: 2023-11-22. Review status: criteria provided, single submitter. Criteria: Ambry Variant Classification Scheme 2023. Collection method: clinical testing. Allele origin: germline.

Fulgent Genetics
Classification: Uncertain significance for Methylmalonic aciduria, cblB type. Last evaluated: 2021-11-19. Review status: criteria provided, single submitter. Criteria: ACMG Guidelines, 2015. Collection method: clinical testing. Allele origin: unknown.

Natera, Inc.
Classification: Uncertain significance for Methylmalonic aciduria cblB type. Last evaluated: 2020-09-01. Review status: no assertion criteria provided. Collection method: clinical testing. Allele origin: germline. Not counted in ClinVar's aggregate classification.

NM_052845.4(MMAB):c.14G>A (p.Gly5Asp)

Genes: MMAB (metabolism of cobalamin associated B; minus strand), MVK (mevalonate kinase; plus strand). Cytogenetic location: 12q24.11.
Variant type: single nucleotide variant.
Coding change: c.14G>A on transcript NM_052845.4 (MANE Select); coding-DNA position 14, G replaced by A.
Protein change: p.Gly5Asp; replaces glycine 5 with aspartic acid.
Molecular consequence: missense variant. On other transcripts: non-coding transcript variant (1).
Genome position (GRCh38, 1-based): chr12:109,573,467, C>T on the plus strand (G>A on the coding strand, the complement: MMAB is on the minus strand). VCF-style: chr12-109573467-C-T. GRCh37 (hg19) VCF-style: chr12-110011272-C-T.
Other names: c.14G>A (NM_052845.3); short protein forms G5D.
Identifiers: ClinVar variation 989541 (VCV000989541.6), dbSNP rs769048646, ClinGen allele CA6779087.